The following is an entry in ClinVar:

ClinVar aggregate classification (germline): Uncertain significance (1 of 4 stars; one submission).

Conditions:
Hereditary spastic paraplegia 6 (SPG6). Also called: SPASTIC PARAPLEGIA 6, AUTOSOMAL DOMINANT. Identifiers: Orphanet 100988, MedGen C1838192, MONDO:0010878, OMIM 600363.

Submission:

Labcorp Genetics (formerly Invitae), Labcorp
Classification: Uncertain significance for Hereditary spastic paraplegia 6. Last evaluated: 2022-06-21. Review status: criteria provided, single submitter. Criteria: Invitae Variant Classification Sherloc (09022015). Collection method: clinical testing. Allele origin: germline.
Comment: In summary, the available evidence is currently insufficient to determine the role of this variant in disease. Therefore, it has been classified as a Variant of Uncertain Significance. This variant has not been reported in the literature in individuals affected with NIPA1-related conditions. This sequence change replaces alanine, which is neutral and non-polar, with glycine, which is neutral and non-polar, at codon 11 of the NIPA1 protein (p.Ala11Gly). This variant is not present in population databases (gnomAD no frequency). Algorithms developed to predict the effect of missense changes on protein structure and function are either unavailable or do not agree on the potential impact of this missense change (SIFT: "Tolerated"; PolyPhen-2: "Not Available"; Align-GVGD: "Class C0").

NM_144599.5(NIPA1):c.32C>G (p.Ala11Gly)

Genes: NIPA1 (NIPA magnesium transporter 1; plus strand), LOC130056709 (ATAC-STARR-seq lymphoblastoid silent region 6259; plus strand). Cytogenetic location: 15q11.2.
Variant type: single nucleotide variant.
Coding change: c.32C>G on transcript NM_144599.5 (MANE Select); coding-DNA position 32, C replaced by G.
Protein change: p.Ala11Gly; replaces alanine 11 with glycine.
Molecular consequence: missense variant. On other transcripts: intron variant (1).
Genome position (GRCh38, 1-based): chr15:22,786,688, C>G. VCF-style: chr15-22786688-C-G. GRCh37 (hg19) VCF-style: chr15-23086380-G-C.
Other names: c.-48+440C>G (NM_001142275.1); short protein forms A11G.
Identifiers: ClinVar variation 2104456 (VCV002104456.4), dbSNP rs1395086841, ClinGen allele CA391298268.